The following is an entry in ClinVar:

NM_015459.5(ATL3):c.1522G>C (p.Ala508Pro)

Genes: ATL3 (atlastin GTPase 3; minus strand), LNCROPM (lncRNA regulator of PLAAT3 mediated phospholipid metabolism; plus strand). Cytogenetic location: 11q13.1.
Variant type: single nucleotide variant.
Coding change: c.1522G>C on transcript NM_015459.5 (MANE Select); coding-DNA position 1522, G replaced by C.
Protein change: p.Ala508Pro; replaces alanine 508 with proline.
Molecular consequence: missense variant.
Genome position (GRCh38, 1-based): chr11:63,631,057, C>G on the plus strand (G>C on the coding strand, the complement: ATL3 is on the minus strand). VCF-style: chr11-63631057-C-G. GRCh37 (hg19) VCF-style: chr11-63398529-C-G.
Other names: c.1468G>C, p.Ala490Pro (NM_001290048.2); short protein forms A490P, A508P.
Identifiers: ClinVar variation 3669667 (VCV003669667.2).

ClinVar aggregate classification (germline): Uncertain significance (1 of 4 stars; one submission).

Conditions:
Neuropathy, hereditary sensory, type 1F. Also called: Hereditary sensory neuropathy type IF; HSN IF. Identifiers: Orphanet 36386, MedGen C3810194, MONDO:0014286, OMIM 615632.

Submission:

Labcorp Genetics (formerly Invitae), Labcorp
Classification: Uncertain significance for Neuropathy, hereditary sensory, type 1F. Last evaluated: 2024-06-11. Review status: criteria provided, single submitter. Criteria: Invitae Variant Classification Sherloc (09022015). Collection method: clinical testing. Allele origin: germline.
Comment: This sequence change replaces alanine, which is neutral and non-polar, with proline, which is neutral and non-polar, at codon 508 of the ATL3 protein (p.Ala508Pro). This variant is not present in population databases (gnomAD no frequency). This variant has not been reported in the literature in individuals affected with ATL3-related conditions. An algorithm developed to predict the effect of missense changes on protein structure and function (PolyPhen-2) suggests that this variant is likely to be tolerated. In summary, the available evidence is currently insufficient to determine the role of this variant in disease. Therefore, it has been classified as a Variant of Uncertain Significance.